The following is an entry in ClinVar:

NM_015937.6(PIGT):c.836G>A (p.Arg279Gln)

Gene: PIGT (phosphatidylinositol glycan anchor biosynthesis class T; plus strand). Cytogenetic location: 20q13.12.
Variant type: single nucleotide variant.
Coding change: c.836G>A on transcript NM_015937.6 (MANE Select); coding-DNA position 836, G replaced by A.
Protein change: p.Arg279Gln; replaces arginine 279 with glutamine.
Molecular consequence: missense variant. On other transcripts: non-coding transcript variant (5).
Genome position (GRCh38, 1-based): chr20:45,420,398, G>A. VCF-style: chr20-45420398-G-A. GRCh37 (hg19) VCF-style: chr20-44049038-G-A.
Other names: c.836G>A (NM_015937.5); c.668G>A, p.Arg223Gln (NM_001184728.3); c.836G>A, p.Arg279Gln (NM_001184729.3); c.530G>A, p.Arg177Gln (NM_001184730.3); short protein forms R177Q, R223Q, R279Q.
Identifiers: ClinVar variation 1424439 (VCV001424439.7), dbSNP rs202220796, ClinGen allele CA9878072.
Genomic context (GRCh38, chr20:45,420,398, plus strand): 5'-CCCTCTTCCGGATGTTCTCCCGAACCCTCACGGAGCCCTGCCCCCTGGCTTCAGAGAGCC[G>A]AGTCTATGTGGACATCACCACCTACAACCAGGTAACAAGGTCTCCAGCCACACACACAAA-3'
Protein context (NP_057021.2, residues 269-289): TEPCPLASES[Arg279Gln]VYVDITTYNQ

ClinVar aggregate classification (germline): Uncertain significance. Review status: criteria provided, multiple submitters, no conflicts (2 of 4 stars). 3 submissions from 3 submitters: Uncertain significance (3). Last evaluated 2026-01-07.

Conditions:
Multiple congenital anomalies-hypotonia-seizures syndrome 3 (MCAHS3). Also called: GLYCOSYLPHOSPHATIDYLINOSITOL BIOSYNTHESIS DEFECT 7. Identifiers: Orphanet 369837, MedGen C3809356, MONDO:0014165, OMIM 615398.

Allele frequency attached by ClinVar (database versions not stated): gnomAD exomes 0.00004 and 0.00008; gnomAD 0.00007; ExAC 0.00009; TOPMed 0.00011; 1000 Genomes Project 30x 0.00031; 1000 Genomes Project 0.00040.
gnomAD v4.1: 80 of 1,613,520 alleles (0.005%); highest among the groups gnomAD compares: Admixed American, 0.027%; no homozygotes.

Submissions (3):

GeneDx
Classification: Uncertain significance. Last evaluated: 2026-01-07. Review status: criteria provided, single submitter. Criteria: GeneDx Variant Classification Process June 2021. Collection method: clinical testing. Allele origin: germline.
Comment: In silico analysis suggests that this missense variant does not alter protein structure/function; Has not been previously published as pathogenic or benign to our knowledge

Blueprint Genetics
Classification: Uncertain significance. Last evaluated: 2024-08-22. Review status: criteria provided, single submitter. Criteria: ACMG Guidelines, 2015. Collection method: clinical testing. Allele origin: germline.

Labcorp Genetics (formerly Invitae), Labcorp
Classification: Uncertain significance for Multiple congenital anomalies-hypotonia-seizures syndrome 3. Last evaluated: 2022-09-27. Review status: criteria provided, single submitter. Criteria: Invitae Variant Classification Sherloc (09022015). Collection method: clinical testing. Allele origin: germline.
Comment: This sequence change replaces arginine, which is basic and polar, with glutamine, which is neutral and polar, at codon 279 of the PIGT protein (p.Arg279Gln). This variant is present in population databases (rs202220796, gnomAD 0.02%). This variant has not been reported in the literature in individuals affected with PIGT-related conditions. ClinVar contains an entry for this variant (Variation ID: 1424439). Advanced modeling of protein sequence and biophysical properties (such as structural, functional, and spatial information, amino acid conservation, physicochemical variation, residue mobility, and thermodynamic stability) performed at Invitae indicates that this missense variant is not expected to disrupt PIGT protein function. In summary, the available evidence is currently insufficient to determine the role of this variant in disease. Therefore, it has been classified as a Variant of Uncertain Significance.